The following is an entry in ClinVar:

NM_016169.4(SUFU):c.734T>G (p.Phe245Cys)

Gene: SUFU (SUFU negative regulator of hedgehog signaling; plus strand). Cytogenetic location: 10q24.32.
Variant type: single nucleotide variant.
Coding change: c.734T>G on transcript NM_016169.4 (MANE Select); coding-DNA position 734, T replaced by G.
Protein change: p.Phe245Cys; replaces phenylalanine 245 with cysteine.
Molecular consequence: missense variant.
Genome position (GRCh38, 1-based): chr10:102,594,043, T>G. VCF-style: chr10-102594043-T-G. GRCh37 (hg19) VCF-style: chr10-104353800-T-G.
Other names: c.734T>G, p.Phe245Cys (NM_001178133.2); short protein forms F245C.
Identifiers: ClinVar variation 1758452 (VCV001758452.4), dbSNP rs1303650670, ClinGen allele CA377909875.

ClinVar aggregate classification (germline): Uncertain significance. Review status: criteria provided, multiple submitters, no conflicts (2 of 4 stars). 2 submissions from 2 submitters: Uncertain significance (2). Last evaluated 2025-01-11.

Conditions:
Medulloblastoma (MDB). Also called: MEDULLOBLASTOMA PREDISPOSITION SYNDROME; Medulloblastoma, somatic. Identifiers: Orphanet 616, MedGen C0025149, MeSH D008527, MONDO:0007959, OMIM 155255, HP:0002885.
Gorlin syndrome. Also called: Nevoid Basal Cell Carcinoma Syndrome; Basal cell nevus syndrome. Identifiers: Orphanet 377, MedGen C0004779, MONDO:0007187.
Hereditary cancer-predisposing syndrome. Also called: Neoplastic Syndromes, Hereditary; Tumor predisposition; Hereditary neoplastic syndrome; Hereditary Cancer Syndrome. Identifiers: Orphanet 140162, MedGen C0027672, MeSH D009386, MONDO:0015356.

gnomAD v4.1: 6 of 1,613,204 alleles (0.00037%); highest among the groups gnomAD compares: Non-Finnish European, 0.00051%; no homozygotes.

Submissions (2):

Labcorp Genetics (formerly Invitae), Labcorp
Classification: Uncertain significance for Gorlin syndrome; Medulloblastoma. Last evaluated: 2025-01-11. Review status: criteria provided, single submitter. Criteria: Invitae Variant Classification Sherloc (09022015). Collection method: clinical testing. Allele origin: germline.
Comment: This sequence change replaces phenylalanine, which is neutral and non-polar, with cysteine, which is neutral and slightly polar, at codon 245 of the SUFU protein (p.Phe245Cys). This variant is not present in population databases (gnomAD no frequency). This variant has not been reported in the literature in individuals affected with SUFU-related conditions. ClinVar contains an entry for this variant (Variation ID: 1758452). Invitae Evidence Modeling of protein sequence and biophysical properties (such as structural, functional, and spatial information, amino acid conservation, physicochemical variation, residue mobility, and thermodynamic stability) indicates that this missense variant is not expected to disrupt SUFU protein function with a negative predictive value of 80%. In summary, the available evidence is currently insufficient to determine the role of this variant in disease. Therefore, it has been classified as a Variant of Uncertain Significance.

Ambry Genetics
Classification: Uncertain significance for Hereditary cancer-predisposing syndrome. Last evaluated: 2021-03-04. Review status: criteria provided, single submitter. Criteria: Ambry Variant Classification Scheme 2023. Collection method: clinical testing. Allele origin: germline.
Comment: The p.F245C variant (also known as c.734T>G), located in coding exon 6 of the SUFU gene, results from a T to G substitution at nucleotide position 734. The phenylalanine at codon 245 is replaced by cysteine, an amino acid with highly dissimilar properties. This amino acid position is highly conserved in available vertebrate species. In addition, this alteration is predicted to be deleterious by in silico analysis. Since supporting evidence is limited at this time, the clinical significance of this alteration remains unclear.